The following is an entry in ClinVar:

ClinVar aggregate classification (germline): Pathogenic (1 of 4 stars; one submission).

Conditions:
Kartagener syndrome (CILD1). Also called: CILIARY DYSKINESIA, PRIMARY, 1; CILIARY DYSKINESIA, PRIMARY, 1, WITH OR WITHOUT SITUS INVERSUS; IMMOTILE CILIA SYNDROME; POLYNESIAN BRONCHIECTASIS; Dextrocardia bronchiectasis and sinusitis; SIEWERT SYNDROME. Identifiers: Orphanet 244, MedGen C4551906, MONDO:0009484, OMIM 244400.

Submission:

Myriad Genetics, Inc.
Classification: Pathogenic for Kartagener syndrome. Last evaluated: 2025-10-22. Review status: criteria provided, single submitter. Criteria: Myriad Autosomal Dominant, Autosomal Recessive and X-Linked Classification Criteria (2023). Collection method: clinical testing. Allele origin: unknown.
Comment: NM_012144.2(DNAI1):c.96delG(T33Lfs*25) is expected to be pathogenic in the context of primary ciliary dyskinesia, DNAI1-related. This variant is predicted to lead to an abnormal or absent protein product due to the creation of a premature termination codon in DNAI1, a gene where loss-of-function variants are known to be pathogenic. Please note: this variant was assessed in the context of healthy population screening.

NM_012144.4(DNAI1):c.96del (p.Thr33fs)

Gene: DNAI1 (dynein axonemal intermediate chain 1; plus strand). Cytogenetic location: 9p13.3.
Variant type: Deletion.
Coding change: c.96del on transcript NM_012144.4 (MANE Select); coding-DNA position 96, one base deleted (G; older notation c.96delG).
Protein change: p.Thr33fs; shifts the reading frame from threonine 33.
Molecular consequence: frameshift variant.
Genome position (GRCh38, 1-based): chr9:34,485,156, G deleted; the last of 3 consecutive G bases (chr9:34,485,154-34,485,156); deleting any one gives the same sequence. VCF-style (leftmost placement, unchanged base first): chr9-34485153-AG-A. GRCh37 (hg19) VCF-style: chr9-34485151-AG-A.
Other names: c.96del, p.Thr33fs (NM_001281428.2); short protein forms T33fs.
Identifiers: ClinVar variation 5015127 (VCV005015127.1).